The following is an entry in ClinVar:

ClinVar aggregate classification (germline): Uncertain significance (1 of 4 stars; one submission).

Conditions:
Neuropathy, hereditary sensory and autonomic, type 2A (HSAN2A). Also called: MORVAN DISEASE; NEUROPATHY, CONGENITAL SENSORY; NEUROPATHY, HEREDITARY SENSORY RADICULAR, AUTOSOMAL RECESSIVE; NEUROPATHY, HEREDITARY SENSORY, TYPE IIA; NEUROPATHY, PROGRESSIVE SENSORY, OF CHILDREN; ACROOSTEOLYSIS, GIACCAI TYPE. Identifiers: Orphanet 970, MedGen C2752089, MONDO:0024309, OMIM 201300.
Generalized epilepsy with febrile seizures plus, type 7 (GEFSP7). Also called: GEFS+, TYPE 7. Identifiers: Orphanet 36387, MedGen C2751778, MONDO:0013470, OMIM 613863.

Submission:

Labcorp Genetics (formerly Invitae), Labcorp
Classification: Uncertain significance for Neuropathy, hereditary sensory and autonomic, type 2A; Generalized epilepsy with febrile seizures plus, type 7. Last evaluated: 2024-08-08. Review status: criteria provided, single submitter. Criteria: Invitae Variant Classification Sherloc (09022015). Collection method: clinical testing. Allele origin: germline.
Comment: This sequence change replaces glutamic acid, which is acidic and polar, with glycine, which is neutral and non-polar, at codon 811 of the SCN9A protein (p.Glu811Gly). This variant is not present in population databases (gnomAD no frequency). This variant has not been reported in the literature in individuals affected with SCN9A-related conditions. Advanced modeling of protein sequence and biophysical properties (such as structural, functional, and spatial information, amino acid conservation, physicochemical variation, residue mobility, and thermodynamic stability) has been performed at Invitae for this missense variant, however the output from this modeling did not meet the statistical confidence thresholds required to predict the impact of this variant on SCN9A protein function. In summary, the available evidence is currently insufficient to determine the role of this variant in disease. Therefore, it has been classified as a Variant of Uncertain Significance.

NM_001365536.1(SCN9A):c.2465A>G (p.Glu822Gly)

Genes: SCN9A (sodium voltage-gated channel alpha subunit 9; minus strand), SCN1A-AS1 (SCN1A and SCN9A antisense RNA 1; plus strand). Cytogenetic location: 2q24.3.
Variant type: single nucleotide variant.
Coding change: c.2465A>G on transcript NM_001365536.1 (MANE Select); coding-DNA position 2465, A replaced by G.
Protein change: p.Glu822Gly; replaces glutamic acid 822 with glycine.
Molecular consequence: missense variant.
Genome position (GRCh38, 1-based): chr2:166,278,192, T>C on the plus strand (A>G on the coding strand, the complement: SCN9A is on the minus strand). VCF-style: chr2-166278192-T-C. GRCh37 (hg19) VCF-style: chr2-167134702-T-C.
Other names: c.2432A>G, p.Glu811Gly (NM_002977.4); short protein forms E811G, E822G.
Identifiers: ClinVar variation 3757595 (VCV003757595.2).
Genomic context (GRCh38, chr2:166,278,192, plus strand): 5'-ATGTTTACCAGTCTGAATGATCGCAGAACTGACAATCCTTCCACATCTGCTAGAAAGAGC[T>C]CCACTAAACTTAAAGTCACAATAAGGCTGTCAAAAATATTCCAGCCTACTTGGAAATACT-3'
Protein context (NP_001352465.1, residues 812-832): DSLIVTLSLV[Glu822Gly]LFLADVEGLS